The following is an entry in ClinVar:

NM_001276345.2(TNNT2):c.712C>G (p.Gln238Glu)

Gene: TNNT2 (troponin T2, cardiac type; minus strand). Cytogenetic location: 1q32.1.
Variant type: single nucleotide variant.
Coding change: c.712C>G on transcript NM_001276345.2 (MANE Select); coding-DNA position 712, C replaced by G.
Protein change: p.Gln238Glu; replaces glutamine 238 with glutamic acid.
Molecular consequence: missense variant.
Genome position (GRCh38, 1-based): chr1:201,361,920, G>C on the plus strand (C>G on the coding strand, the complement: TNNT2 is on the minus strand). VCF-style: chr1-201361920-G-C. GRCh37 (hg19) VCF-style: chr1-201331048-G-C.
Other names: p.Q228E:CAG>GAG; c.703C>G, p.Gln235Glu (NM_000364.4); c.682C>G, p.Gln228Glu (NM_001001430.3, NM_001276347.2); c.673C>G, p.Gln225Glu (NM_001001431.3); c.664C>G, p.Gln222Glu (NM_001001432.3); c.583C>G, p.Gln195Glu (NM_001276346.2); short protein forms Q228E, Q235E, Q238E, Q195E, Q222E, Q225E.
Identifiers: ClinVar variation 181627 (VCV000181627.10), dbSNP rs730881108, ClinGen allele CA004952.

ClinVar aggregate classification (germline): Uncertain significance. Review status: criteria provided, multiple submitters, no conflicts (2 of 4 stars). 6 submissions from 4 submitters: Uncertain significance (6). Last evaluated 2025-08-09.

Conditions:
Hypertrophic cardiomyopathy 2. Also called: TNNT2-Related Familial Hypertrophic Cardiomyopathy. Identifiers: MedGen C1861864, MONDO:0007266, OMIM 115195.
Dilated cardiomyopathy 1D. Identifiers: Orphanet 154, Orphanet 54260, MedGen C1832243, MONDO:0011095, OMIM 601494.
Cardiomyopathy, familial restrictive, 3. Identifiers: Orphanet 75249, MedGen C2676271, MONDO:0012900, OMIM 612422.
Cardiomyopathy (CMYO). Also called: Cardiomyopathies. Identifiers: Orphanet 167848, MedGen C0878544, MONDO:0004994, HP:0001638. Inheritance: Various modes of inheritance.

Submissions (6):

Labcorp Genetics (formerly Invitae), Labcorp
Classification: Uncertain significance for Cardiomyopathy, familial restrictive, 3; Hypertrophic cardiomyopathy 2; Dilated cardiomyopathy 1D. Last evaluated: 2025-08-09. Review status: criteria provided, single submitter. Criteria: Invitae Variant Classification Sherloc (09022015). Collection method: clinical testing. Allele origin: germline.
Comment: This sequence change replaces glutamine, which is neutral and polar, with glutamic acid, which is acidic and polar, at codon 228 of the TNNT2 protein (p.Gln228Glu). This variant is not present in population databases (gnomAD no frequency). This variant has not been reported in the literature in individuals affected with TNNT2-related conditions. ClinVar contains an entry for this variant (Variation ID: 181627). Invitae Evidence Modeling of protein sequence and biophysical properties (such as structural, functional, and spatial information, amino acid conservation, physicochemical variation, residue mobility, and thermodynamic stability) indicates that this missense variant is not expected to disrupt TNNT2 protein function with a negative predictive value of 80%. In summary, the available evidence is currently insufficient to determine the role of this variant in disease. Therefore, it has been classified as a Variant of Uncertain Significance.

All of Us Research Program, National Institutes of Health
Classification: Uncertain significance for Cardiomyopathy. Last evaluated: 2023-11-30. Review status: criteria provided, single submitter. Criteria: ACMG Guidelines, 2015. Collection method: clinical testing. Allele origin: germline. Inheritance: Autosomal dominant inheritance. Observed: 1 variant allele, 1 heterozygote.
Comment: This study involves interpretation of variants in research participants for the purpose of population health screening. Participant phenotype was not available at the time of variant classification. Additional details can be found in publication PMID: 35346344, PMCID: PMC8962531

Genome-Nilou Lab
Classification: Uncertain significance for Dilated cardiomyopathy 1D. Last evaluated: 2023-04-11. Review status: criteria provided, single submitter. Criteria: ACMG Guidelines, 2015. Collection method: clinical testing. Allele origin: germline. Affected: no.

Genome-Nilou Lab
Classification: Uncertain significance for Cardiomyopathy, familial restrictive, 3. Last evaluated: 2023-04-11. Review status: criteria provided, single submitter. Criteria: ACMG Guidelines, 2015. Collection method: clinical testing. Allele origin: germline. Affected: no.

Genome-Nilou Lab
Classification: Uncertain significance for Hypertrophic cardiomyopathy 2. Last evaluated: 2023-04-11. Review status: criteria provided, single submitter. Criteria: ACMG Guidelines, 2015. Collection method: clinical testing. Allele origin: germline. Affected: no.

GeneDx
Classification: Uncertain significance. Last evaluated: 2013-03-18. Review status: criteria provided, single submitter. Criteria: GeneDx Variant Classification (06012015). Collection method: clinical testing. Allele origin: germline. Affected: yes.
Comment: p.Gln228Glu (CAG>GAG): c.682 C>G in exon 13 of the TNNT2 gene (NM_001001430.1). The Gln228Glu variant in the TNNT2 gene has not been reported as a disease-causing mutation or as a benign polymorphism to our knowledge. Gln228Glu results in a semi-conservative amino acid substitution of a neutral, polar Glutamine with a negatively charged Glutamic acid at a position that is conserved mammalian species. The Gln228Glu variant was not observed in approximately 6,500 individuals of European and African American ancestry in the NHLBI Exome Sequencing Project, indicating it is not a common benign variant in these populations. However, in silico analysis predicts Gln228Glu is benign to the protein structure/function. Also, no mutations in nearby codons have been reported in association with cardiomyopathy. With the clinical and molecular information available at this time, we cannot definitively determine if Gln228Glu is a disease-causing mutation or a rare benign variant. Hereditary hypertrophic cardiomyopathy (HCM) is primarily an autosomal dominant disease characterized by myocardial hypertrophy in the absence of other cardiac or systemic causes. HCM is most frequently caused by mutations in genes coding for sarcomeric proteins in the cardiac muscle leading to myocyte disarray, a hallmark feature of HCM. Less commonly, ventricular hypertrophy is a presenting feature of genetic systemic disorders, such as Danon disease, Fabry disease, or mitochondrial cardiomyopathy. HCM has a variable clinical presentation; including palpitations, chest pain, heart failure syncope, or sudden death, although some individuals may be asymptomatic (Marian A et al., 1995; Maron B, 2003). Mutations in the TNNT2 gene have been reported in 5-15% of patients with autosomal dominant familial hypertrophic cardiomyopathy, often characterized by minimal left ventricular hypertrophy (LVH) but a high incidence of sudden cardiac death (Moolman J et al., 1997; Cirino A et al., 2011). Mutations in TNNT2 have been reported less frequently in association with autosomal dominant familial dilated cardiomyopathy (Hershberger R et al., 2009). The variant is found in HCM panel(s).